The following is an entry in ClinVar:

ClinVar aggregate classification (germline): Pathogenic. Review status: criteria provided, multiple submitters, no conflicts (2 of 4 stars). 5 submissions from 5 submitters: Pathogenic (3). 2 of the submissions do not count toward it. Last evaluated 2025-09-27.

Conditions:
Arginase deficiency. Also called: ARG1 DEFICIENCY; Arginase 1 Deficiency; ARGININEMIA. Identifiers: Orphanet 90, MedGen C0268548, MONDO:0008814, OMIM 207800.

Allele frequency attached by ClinVar (database versions not stated): gnomAD exomes 0.00002 and 0.00004; TOPMed 0.00002; ExAC 0.00002; gnomAD 0.00003.
gnomAD v4.1: 57 of 1,614,056 alleles (0.0035%); highest among the groups gnomAD compares: African/African-American, 0.008%; no homozygotes.

Submissions (5):

Labcorp Genetics (formerly Invitae), Labcorp
Classification: Pathogenic for Arginase deficiency. Last evaluated: 2025-09-27. Review status: criteria provided, single submitter. Criteria: Invitae Variant Classification Sherloc (09022015). Collection method: clinical testing. Allele origin: germline.
Comment: This sequence change creates a premature translational stop signal (p.Arg291*) in the ARG1 gene. While this is not anticipated to result in nonsense mediated decay, it is expected to disrupt the last 32 amino acid(s) of the ARG1 protein. This variant is present in population databases (rs104893940, gnomAD 0.02%). This premature translational stop signal has been observed in individual(s) with arginase deficiency (PMID: 1598908, 19052914, 24103480; internal data). In at least one individual the data is consistent with being in trans (on the opposite chromosome) from a pathogenic variant. ClinVar contains an entry for this variant (Variation ID: 2388). Algorithms developed to predict the effect of sequence changes on RNA splicing suggest that this variant may disrupt the consensus splice site. This variant disrupts a region of the ARG1 protein in which other variant(s) (p.Lys313Serfs*22) have been determined to be pathogenic (internal data). This suggests that this is a clinically significant region of the protein, and that variants that disrupt it are likely to be disease-causing. For these reasons, this variant has been classified as Pathogenic.

3billion
Classification: Pathogenic for Arginase deficiency. Last evaluated: 2023-09-06. Review status: criteria provided, single submitter. Criteria: ACMG Guidelines, 2015. Collection method: clinical testing. Allele origin: germline. Affected: yes.
Comment: The variant is observed at an extremely low frequency in the gnomAD v2.1.1 dataset (total allele frequency: 0.002%). Predicted Consequence/Location: Stop-gained (nonsense): predicted to result in a loss or disruption of normal protein function through protein truncation. The predicted truncated protein may be shortened by more than 10%. The variant has been reported at least twice as pathogenic with clinical assertions and evidence for the classification (ClinVar ID: VCV000002388 /PMID: 1598908). Therefore, this variant is classified as Pathogenic according to the recommendation of ACMG/AMP guideline.

Baylor Genetics
Classification: Pathogenic for Arginase deficiency. Last evaluated: 2023-06-06. Review status: criteria provided, single submitter. Criteria: ACMG Guidelines, 2015. Collection method: clinical testing. Allele origin: unknown.

Counsyl
Classification: Likely pathogenic for Arginase deficiency. Last evaluated: 2018-02-15. Review status: no assertion criteria provided. Collection method: clinical testing. Allele origin: unknown. Not counted in ClinVar's aggregate classification.

OMIM
Classification: Pathogenic for ARGININEMIA. Last evaluated: 1992-06-01. Review status: no assertion criteria provided. Collection method: literature only. Allele origin: germline. Not counted in ClinVar's aggregate classification.

Literature cited by the submitters: PubMed 1598908 (cited by 4 submitters); PubMed 19052914 (cited by Labcorp Genetics (formerly Invitae), Labcorp); PubMed 24103480 (cited by Labcorp Genetics (formerly Invitae), Labcorp and Counsyl); PubMed 18957279 (cited by Counsyl); PubMed 8902193 (cited by Counsyl); PubMed 27038030 (cited by Counsyl).

NM_000045.4(ARG1):c.871C>T (p.Arg291Ter)

Genes: ARG1 (arginase 1; plus strand), MED23 (mediator complex subunit 23; minus strand). Cytogenetic location: 6q23.2.
Variant type: single nucleotide variant.
Coding change: c.871C>T on transcript NM_000045.4 (MANE Select); coding-DNA position 871, C replaced by T.
Protein change: p.Arg291Ter; replaces arginine 291 with a stop codon.
Molecular consequence: nonsense. On other transcripts: non-coding transcript variant (1), intron variant (2).
Genome position (GRCh38, 1-based): chr6:131,583,810, C>T. VCF-style: chr6-131583810-C-T. GRCh37 (hg19) VCF-style: chr6-131904950-C-T.
Other names: c.895C>T, p.Arg299Ter (NM_001244438.2); c.616C>T, p.Arg206Ter (NM_001369020.1); c.4077+3899G>A (NM_001270521.2); c.4095+3899G>A (NM_015979.4); short protein forms R291*, R206*, R299*.
Identifiers: ClinVar variation 2388 (VCV000002388.13), dbSNP rs104893940, ClinGen allele CA339968.